The following is an entry in ClinVar:

ClinVar aggregate classification (germline): Uncertain significance (1 of 4 stars; one submission).

Allele frequency attached by ClinVar (database versions not stated): gnomAD exomes below 0.00001; ExAC 0.00001; gnomAD 0.00001; 1000 Genomes Project 30x 0.00016; 1000 Genomes Project 0.00020.

Submission:

Laboratory for Molecular Medicine, Mass General Brigham Personalized Medicine
Classification: Uncertain significance. Last evaluated: 2019-09-25. Review status: criteria provided, single submitter. Criteria: LMM Criteria. Collection method: clinical testing. Allele origin: germline. Observed: 1 variant allele.
Comment: The p.Leu244Arg variant in USH1G has not been previously reported in individuals with Usher syndrome or hearing loss, but has been identified in 0.005% (1/17968) of East Asian chromosomes by gnomAD. Computational prediction tools and conservation analyses do not provide strong support for or against an impact to the protein. In summary, the clinical significance of this variant is uncertain. ACMG/AMP Criteria applied: PM2.

NM_173477.5(USH1G):c.731T>G (p.Leu244Arg)

Gene: USH1G (USH1 protein network component sans; minus strand). Cytogenetic location: 17q25.1.
Variant type: single nucleotide variant.
Coding change: c.731T>G on transcript NM_173477.5 (MANE Select); coding-DNA position 731, T replaced by G.
Protein change: p.Leu244Arg; replaces leucine 244 with arginine.
Molecular consequence: missense variant.
Genome position (GRCh38, 1-based): chr17:74,920,105, A>C on the plus strand (T>G on the coding strand, the complement: USH1G is on the minus strand). VCF-style: chr17-74920105-A-C. GRCh37 (hg19) VCF-style: chr17-72916200-A-C.
Other names: c.422T>G, p.Leu141Arg (NM_001282489.3); short protein forms L141R, L244R.
Identifiers: ClinVar variation 929927 (VCV000929927.4), dbSNP rs200259553, ClinGen allele CA8754011.